The following is an entry in ClinVar:

NM_016219.5(MAN1B1):c.631G>A (p.Ala211Thr)

Gene: MAN1B1 (mannosidase alpha class 1B member 1; plus strand). Cytogenetic location: 9q34.3.
Variant type: single nucleotide variant.
Coding change: c.631G>A on transcript NM_016219.5 (MANE Select); coding-DNA position 631, G replaced by A.
Protein change: p.Ala211Thr; replaces alanine 211 with threonine.
Molecular consequence: missense variant. On other transcripts: non-coding transcript variant (2).
Genome position (GRCh38, 1-based): chr9:137,097,838, G>A. VCF-style: chr9-137097838-G-A. GRCh37 (hg19) VCF-style: chr9-139992290-G-A.
Other names: c.523G>A, p.Ala175Thr (NM_007230.1); short protein forms A175T, A211T.
Identifiers: ClinVar variation 1752839 (VCV001752839.5), dbSNP rs771771092, ClinGen allele CA5358719.

ClinVar aggregate classification (germline): Uncertain significance. Review status: criteria provided, multiple submitters, no conflicts (2 of 4 stars). 2 submissions from 2 submitters: Uncertain significance (2). Last evaluated 2025-04-02.

Conditions:
Inborn genetic diseases. Identifiers: MedGen C0950123, MeSH D030342.
Rafiq syndrome (RAFQS). Identifiers: Orphanet 88616, MedGen C3280127, MONDO:0013624, OMIM 614202.

Allele frequency attached by ClinVar (database versions not stated): TOPMed 0.00003; gnomAD 0.00004; gnomAD exomes 0.00004; ExAC 0.00005.
gnomAD v4.1: 64 of 1,554,208 alleles (0.0041%); highest among the groups gnomAD compares: Non-Finnish European, 0.005%; no homozygotes.

Submissions (2):

Ambry Genetics
Classification: Uncertain significance for Inborn genetic diseases. Last evaluated: 2025-04-02. Review status: criteria provided, single submitter. Criteria: Ambry Variant Classification Scheme 2023. Collection method: clinical testing. Allele origin: germline.

Labcorp Genetics (formerly Invitae), Labcorp
Classification: Uncertain significance for Rafiq syndrome. Last evaluated: 2021-12-20. Review status: criteria provided, single submitter. Criteria: Invitae Variant Classification Sherloc (09022015). Collection method: clinical testing. Allele origin: germline.
Comment: This sequence change replaces alanine, which is neutral and non-polar, with threonine, which is neutral and polar, at codon 211 of the MAN1B1 protein (p.Ala211Thr). This variant is present in population databases (rs771771092, gnomAD 0.004%). This variant has not been reported in the literature in individuals affected with MAN1B1-related conditions. Algorithms developed to predict the effect of missense changes on protein structure and function output the following: SIFT: "Deleterious"; PolyPhen-2: "Benign"; Align-GVGD: "Class C0". The threonine amino acid residue is found in multiple mammalian species, which suggests that this missense change does not adversely affect protein function. In summary, the available evidence is currently insufficient to determine the role of this variant in disease. Therefore, it has been classified as a Variant of Uncertain Significance.